The following is an entry in ClinVar:

ClinVar aggregate classification (germline): Uncertain significance (1 of 4 stars; one submission).

gnomAD v4.1: 4 of 1,532,010 alleles (0.00026%); highest among the groups gnomAD compares: Non-Finnish European, 0.00035%; no homozygotes.

Submission:

GeneDx
Classification: Uncertain significance. Last evaluated: 2024-12-10. Review status: criteria provided, single submitter. Criteria: GeneDx Variant Classification Process June 2021. Collection method: clinical testing. Allele origin: germline. Affected: yes.
Comment: Not observed at significant frequency in large population cohorts (gnomAD); In silico analysis indicates that this missense variant does not alter protein structure/function; Has not been previously published as pathogenic or benign to our knowledge

NM_139242.4(MTFMT):c.110G>A (p.Cys37Tyr)

Gene: MTFMT (mitochondrial methionyl-tRNA formyltransferase; minus strand). Cytogenetic location: 15q22.31.
Variant type: single nucleotide variant.
Coding change: c.110G>A on transcript NM_139242.4 (MANE Select); coding-DNA position 110, G replaced by A.
Protein change: p.Cys37Tyr; replaces cysteine 37 with tyrosine.
Molecular consequence: missense variant.
Genome position (GRCh38, 1-based): chr15:65,029,504, C>T on the plus strand (G>A on the coding strand, the complement: MTFMT is on the minus strand). VCF-style: chr15-65029504-C-T. GRCh37 (hg19) VCF-style: chr15-65321842-C-T.
Other names: short protein forms C37Y.
Identifiers: ClinVar variation 3903359 (VCV003903359.1).